The following is an entry in ClinVar:

ClinVar aggregate classification (germline): Uncertain significance (1 of 4 stars; one submission).

Conditions:
FHOD3-related disorder. Also called: FHOD3-related condition.

gnomAD v4.1: 19 of 1,614,078 alleles (0.0012%); highest among the groups gnomAD compares: Non-Finnish European, 0.0016%; no homozygotes.

Submission:

PreventionGenetics, part of Exact Sciences
Classification: Uncertain significance for FHOD3-related condition. Last evaluated: 2026-08-18. Review status: criteria provided, single submitter. Criteria: ACMG Guidelines, 2015. Collection method: clinical testing. Allele origin: germline.
Comment: The FHOD3 c.3913G>T variant is predicted to result in the amino acid substitution p.Val1305Phe. To our knowledge, this variant has not been reported in the literature or in a large population database (gnomAD), indicating this variant is rare. At this time, the clinical significance of this variant is uncertain due to the absence of conclusive functional and genetic evidence.

NM_001281740.3(FHOD3):c.3913G>T (p.Val1305Phe)

Gene: FHOD3 (formin homology 2 domain containing 3; plus strand). Cytogenetic location: 18q12.2.
Variant type: single nucleotide variant.
Coding change: c.3913G>T on transcript NM_001281740.3 (MANE Select); coding-DNA position 3913, G replaced by T.
Protein change: p.Val1305Phe; replaces valine 1305 with phenylalanine.
Molecular consequence: missense variant.
Genome position (GRCh38, 1-based): chr18:36,744,065, G>T. VCF-style: chr18-36744065-G-T. GRCh37 (hg19) VCF-style: chr18-34324028-G-T.
Other names: c.3337G>T, p.Val1113Phe (NM_001281739.3); c.3388G>T, p.Val1130Phe (NM_025135.5); short protein forms V1113F, V1130F, V1305F.
Identifiers: ClinVar variation 4986153 (VCV004986153.1).